The following is an entry in ClinVar:

ClinVar aggregate classification (germline): Uncertain significance (1 of 4 stars; one submission).

Submission:

GeneDx
Classification: Uncertain significance. Last evaluated: 2019-10-09. Review status: criteria provided, single submitter. Criteria: GeneDx Variant Classification Process June 2021. Collection method: clinical testing. Allele origin: germline. Affected: yes.
Comment: Not observed in large population cohorts (Lek et al., 2016); In silico analysis, which includes protein predictors and evolutionary conservation, supports a deleterious effect; Has not been previously published as pathogenic or benign to our knowledge

NM_001375524.1(TRRAP):c.7187T>C (p.Leu2396Pro)

Gene: TRRAP (transformation/transcription domain associated protein; plus strand). Cytogenetic location: 7q22.1.
Variant type: single nucleotide variant.
Coding change: c.7187T>C on transcript NM_001375524.1 (MANE Select); coding-DNA position 7187, T replaced by C.
Protein change: p.Leu2396Pro; replaces leucine 2396 with proline.
Molecular consequence: missense variant.
Genome position (GRCh38, 1-based): chr7:98,967,051, T>C. VCF-style: chr7-98967051-T-C. GRCh37 (hg19) VCF-style: chr7-98564674-T-C.
Other names: c.7166T>C, p.Leu2389Pro (NM_001244580.2); c.7112T>C, p.Leu2371Pro (NM_003496.4); short protein forms L2371P, L2389P, L2396P.
Identifiers: ClinVar variation 1308842 (VCV001308842.2), dbSNP rs2116691494, ClinGen allele CA368292020.
Genomic context (GRCh38, chr7:98,967,051, plus strand): 5'-GCAGATGGTTGAAATACTTTTAACTGCGTCTTTTCTCAAATTTCATACAGACACCTACAC[T>C]CCGGGAGAAGTCCATTTTGCTTGTGAAGATGATGACTTACATAGAAAAACGCTTTCCGGA-3'
Protein context (NP_001362453.1, residues 2386-2406): SPMAANQTPT[Leu2396Pro]REKSILLVKM